The following is an entry in ClinVar:

ClinVar aggregate classification (germline): Pathogenic (1 of 4 stars; one submission).

Conditions:
Familial hypobetalipoproteinemia 1. Also called: APOB-Related Familial Hypobetalipoproteinemia; Hypobetalipoproteinemia, normotriglyceridemic; Acanthocytosis with hypobetalipoproteinemia. Identifiers: MedGen C4551990, MONDO:0014252, OMIM 615558.
Hypercholesterolemia, autosomal dominant, type B (FHCL2). Also called: Familial Hypercholesterolemia Type B; APOLIPOPROTEIN B-100, FAMILIAL DEFECTIVE; APOLIPOPROTEIN B-100, FAMILIAL LIGAND-DEFECTIVE; HYPERCHOLESTEROLEMIA, FAMILIAL, DUE TO LIGAND-DEFECTIVE APOLIPOPROTEIN B; Familial hypercholesterolemia 2; Hyperlipoproteinemia Type IIb. Identifiers: MedGen C1704417, MONDO:0007751, OMIM 144010.

Submission:

Labcorp Genetics (formerly Invitae), Labcorp
Classification: Pathogenic for Familial hypobetalipoproteinemia 1; Hypercholesterolemia, autosomal dominant, type B. Last evaluated: 2021-03-01. Review status: criteria provided, single submitter. Criteria: Invitae Variant Classification Sherloc (09022015). Collection method: clinical testing. Allele origin: germline.
Comment: For these reasons, this variant has been classified as Pathogenic. This sequence change creates a premature translational stop signal (p.Asn3845Thrfs*39) in the APOB gene. It is expected to result in an absent or disrupted protein product. Loss-of-function variants in APOB are known to be pathogenic (PMID: 20032471). This variant is not present in population databases (ExAC no frequency). This variant has not been reported in the literature in individuals with APOB-related conditions.

Literature cited by the submitters: PubMed 20032471.

NM_000384.3(APOB):c.11532del (p.Asn3845fs)

Gene: APOB (apolipoprotein B; minus strand). Cytogenetic location: 2p24.1.
Variant type: Deletion.
Coding change: c.11532del on transcript NM_000384.3 (MANE Select); coding-DNA position 11532, one base deleted (C; older notation c.11532delC).
Protein change: p.Asn3845fs; shifts the reading frame from asparagine 3845.
Molecular consequence: frameshift variant.
Genome position (GRCh38, 1-based): chr2:21,005,336, G deleted on the plus strand (C on the coding strand, the reverse complement: APOB is on the minus strand); the first of 2 consecutive G bases (chr2:21,005,336-21,005,337); deleting either gives the same sequence. VCF-style (leftmost placement, unchanged base first): chr2-21005335-TG-T. GRCh37 (hg19) VCF-style: chr2-21228207-TG-T.
Other names: short protein forms N3845fs.
Identifiers: ClinVar variation 1416136 (VCV001416136.6), dbSNP rs2103350572, ClinGen allele CA2573134386.